The following is an entry in ClinVar:

NM_018979.4(WNK1):c.6597C>T (p.Thr2199=)

Gene: WNK1 (WNK lysine deficient protein kinase 1; plus strand). Cytogenetic location: 12p13.33.
Variant type: single nucleotide variant.
Coding change: c.6597C>T on transcript NM_018979.4 (MANE Select); coding-DNA position 6597, C replaced by T.
Protein change: p.Thr2199=; no amino-acid change (threonine 2199 retained).
Molecular consequence: synonymous variant.
Genome position (GRCh38, 1-based): chr12:900,624, C>T. VCF-style: chr12-900624-C-T. GRCh37 (hg19) VCF-style: chr12-1009790-C-T.
Other names: c.7377C>T, p.Thr2459= (NM_001184985.2); c.5853C>T, p.Thr1951= (NM_014823.3); c.7353C>T, p.Thr2451= (NM_213655.5).
Identifiers: ClinVar variation 4085203 (VCV004085203.8).

ClinVar aggregate classification (germline): Likely benign (1 of 4 stars; one submission).

Submission:

CeGaT Center for Human Genetics Tuebingen
Classification: Likely benign. Last evaluated: 2025-06-01. Review status: criteria provided, single submitter. Criteria: CeGaT Center For Human Genetics Tuebingen Variant Classification Criteria Version 2. Collection method: clinical testing. Allele origin: germline. Affected: yes. Observed: 1 variant allele.
Comment: WNK1: PM2:Supporting, BP4, BP7